The following is an entry in ClinVar:

ClinVar aggregate classification (germline): Benign/Likely benign. Review status: criteria provided, multiple submitters, no conflicts (2 of 4 stars). 2 submissions from 2 submitters: Benign (1); Likely benign (1). Last evaluated 2025-03-14.

Conditions:
ADGRV1-related disorder. Also called: ADGRV1-related condition; ADGRV1-related disorders.

Allele frequency attached by ClinVar (database versions not stated): gnomAD 0.00003; gnomAD exomes 0.00006; ExAC 0.00026; 1000 Genomes Project 0.00060; 1000 Genomes Project 30x 0.00062.
gnomAD v4.1: 93 of 1,599,706 alleles (0.0058%); highest among the groups gnomAD compares: South Asian, 0.11%; 1 homozygote.

Submissions (2):

PreventionGenetics, part of Exact Sciences
Classification: Likely benign for ADGRV1-related condition. Last evaluated: 2025-03-14. Review status: criteria provided, single submitter. Criteria: ACMG Guidelines, 2015. Collection method: clinical testing. Allele origin: germline.
Comment: This variant is classified as likely benign based on ACMG/AMP sequence variant interpretation guidelines (Richards et al. 2015 PMID: 25741868, with internal and published modifications).

Labcorp Genetics (formerly Invitae), Labcorp
Classification: Benign. Last evaluated: 2023-12-01. Review status: criteria provided, single submitter. Criteria: Invitae Variant Classification Sherloc (09022015). Collection method: clinical testing. Allele origin: germline.

NM_032119.4(ADGRV1):c.17636C>T (p.Thr5879Ile)

Gene: ADGRV1 (adhesion G protein-coupled receptor V1; plus strand). Cytogenetic location: 5q14.3.
Variant type: single nucleotide variant.
Coding change: c.17636C>T on transcript NM_032119.4 (MANE Select); coding-DNA position 17636, C replaced by T.
Protein change: p.Thr5879Ile; replaces threonine 5879 with isoleucine.
Molecular consequence: missense variant. On other transcripts: non-coding transcript variant (1).
Genome position (GRCh38, 1-based): chr5:90,855,782, C>T. VCF-style: chr5-90855782-C-T. GRCh37 (hg19) VCF-style: chr5-90151599-C-T.
Other names: c.17636C>T (NM_032119.3); short protein forms T5879I.
Identifiers: ClinVar variation 2976757 (VCV002976757.4), dbSNP rs557812970, ClinGen allele CA3342407.